The following is an entry in ClinVar:

ClinVar aggregate classification (germline): Uncertain significance (1 of 4 stars; one submission).

Allele frequency attached by ClinVar (database versions not stated): gnomAD 0.00002.
gnomAD v4.1: 4 of 1,611,966 alleles (0.00025%); highest among the groups gnomAD compares: Admixed American, 0.0017%; no homozygotes.

Submission:

Labcorp Genetics (formerly Invitae), Labcorp
Classification: Uncertain significance. Last evaluated: 2022-11-17. Review status: criteria provided, single submitter. Criteria: Invitae Variant Classification Sherloc (09022015). Collection method: clinical testing. Allele origin: germline.
Comment: In summary, the available evidence is currently insufficient to determine the role of this variant in disease. Therefore, it has been classified as a Variant of Uncertain Significance. Advanced modeling of protein sequence and biophysical properties (such as structural, functional, and spatial information, amino acid conservation, physicochemical variation, residue mobility, and thermodynamic stability) has been performed at Invitae for this missense variant, however the output from this modeling did not meet the statistical confidence thresholds required to predict the impact of this variant on KRT17 protein function. This variant has not been reported in the literature in individuals affected with KRT17-related conditions. This variant is present in population databases (no rsID available, gnomAD 0.002%). This sequence change replaces threonine, which is neutral and polar, with isoleucine, which is neutral and non-polar, at codon 137 of the KRT17 protein (p.Thr137Ile).

NM_000422.3(KRT17):c.410C>T (p.Thr137Ile)

Gene: KRT17 (keratin 17; minus strand). Cytogenetic location: 17q21.2.
Variant type: single nucleotide variant.
Coding change: c.410C>T on transcript NM_000422.3 (MANE Select); coding-DNA position 410, C replaced by T.
Protein change: p.Thr137Ile; replaces threonine 137 with isoleucine.
Molecular consequence: missense variant.
Genome position (GRCh38, 1-based): chr17:41,624,100, G>A on the plus strand (C>T on the coding strand, the complement: KRT17 is on the minus strand). VCF-style: chr17-41624100-G-A. GRCh37 (hg19) VCF-style: chr17-39780352-G-A.
Other names: short protein forms T137I.
Identifiers: ClinVar variation 2986668 (VCV002986668.3), dbSNP rs1475360701, ClinGen allele CA399511583.